The following is an entry in ClinVar:

ClinVar aggregate classification (germline): Likely benign (0 of 4 stars; one submission).

Conditions:
PLXNA3-related disorder. Also called: PLXNA3-related condition.

Allele frequency attached by ClinVar (database versions not stated): ExAC 0.00025; TOPMed 0.00038; gnomAD 0.00039; ESP Exome Variant Server 0.00047.
gnomAD v4.1: 760 of 1,210,276 alleles (0.063%); highest among the groups gnomAD compares: Non-Finnish European, 0.081%; no homozygotes.

Submission:

PreventionGenetics, part of Exact Sciences
Classification: Likely benign for PLXNA3-related condition. Last evaluated: 2019-05-16. Review status: no assertion criteria provided. Collection method: clinical testing. Allele origin: germline.
Comment: This variant is classified as likely benign based on ACMG/AMP sequence variant interpretation guidelines (Richards et al. 2015 PMID: 25741868, with internal and published modifications).

NM_017514.5(PLXNA3):c.4123C>A (p.Arg1375=)

Gene: PLXNA3 (plexin A3; plus strand). Cytogenetic location: Xq28.
Variant type: single nucleotide variant.
Coding change: c.4123C>A on transcript NM_017514.5 (MANE Select); coding-DNA position 4123, C replaced by A.
Protein change: p.Arg1375=; no amino-acid change (arginine 1375 retained).
Molecular consequence: synonymous variant.
Genome position (GRCh38, 1-based): chrX:154,468,462, C>A. VCF-style: chrX-154468462-C-A. GRCh37 (hg19) VCF-style: chrX-153696805-C-A.
Identifiers: ClinVar variation 3041377 (VCV003041377.2), dbSNP rs199905351, ClinGen allele CA10564808.